The following is an entry in ClinVar:

ClinVar aggregate classification (germline): Uncertain significance (1 of 4 stars; one submission).

Conditions:
Walker-Warburg congenital muscular dystrophy. Also called: Muscular dystrophy-dystroglycanopathy, type A; Walker-Warburg syndrome. Identifiers: Orphanet 899, MedGen C0265221, MONDO:0000171.

Allele frequency attached by ClinVar (database versions not stated): gnomAD exomes below 0.00001.
gnomAD v4.1: 1 of 1,528,364 alleles (0.000065%); highest among the groups gnomAD compares: Non-Finnish European, 0.000087%; no homozygotes.

Submission:

Labcorp Genetics (formerly Invitae), Labcorp
Classification: Uncertain significance for Walker-Warburg congenital muscular dystrophy. Last evaluated: 2020-03-23. Review status: criteria provided, single submitter. Criteria: Invitae Variant Classification Sherloc (09022015). Collection method: clinical testing. Allele origin: germline.
Comment: This sequence change replaces alanine with threonine at codon 158 of the FKRP protein (p.Ala158Thr). The alanine residue is moderately conserved and there is a small physicochemical difference between alanine and threonine. The frequency data for this variant in the population databases is considered unreliable, as metrics indicate insufficient coverage at this position in the ExAC database. This variant has not been reported in the literature in individuals with FKRP-related conditions. Algorithms developed to predict the effect of missense changes on protein structure and function (SIFT, PolyPhen-2, Align-GVGD) all suggest that this variant is likely to be tolerated, but these predictions have not been confirmed by published functional studies and their clinical significance is uncertain. In summary, the available evidence is currently insufficient to determine the role of this variant in disease. Therefore, it has been classified as a Variant of Uncertain Significance.

NM_024301.5(FKRP):c.472G>A (p.Ala158Thr)

Gene: FKRP (fukutin related protein; plus strand). Cytogenetic location: 19q13.32.
Variant type: single nucleotide variant.
Coding change: c.472G>A on transcript NM_024301.5 (MANE Select); coding-DNA position 472, G replaced by A.
Protein change: p.Ala158Thr; replaces alanine 158 with threonine.
Molecular consequence: missense variant.
Genome position (GRCh38, 1-based): chr19:46,755,922, G>A. VCF-style: chr19-46755922-G-A. GRCh37 (hg19) VCF-style: chr19-47259179-G-A.
Other names: c.472G>A, p.Ala158Thr (NM_001039885.3); short protein forms A158T.
Identifiers: ClinVar variation 1024997 (VCV001024997.8), dbSNP rs2054905075, ClinGen allele CA406495392.
Genomic context (GRCh38, chr19:46,755,922, plus strand): 5'-CCTGGCCTGCTGGAGCGCATGGTGGAGGCGCTCCGCGCAGGAAGCGCACGTCTGGTGGCC[G>A]CCCCGGTTGCCACGGCCAACCCTGCCAGGTGCCTGGCCCTGAACGTCAGCCTGCGAGAGT-3'
Protein context (NP_077277.1, residues 148-168): LRAGSARLVA[Ala158Thr]PVATANPARC